The following is an entry in ClinVar:

NM_001114753.3(ENG):c.1671C>T (p.Thr557=)

Genes: ENG (endoglin; minus strand), LOC102723566 (uncharacterized LOC102723566; plus strand). Cytogenetic location: 9q34.11.
Variant type: single nucleotide variant.
Coding change: c.1671C>T on transcript NM_001114753.3 (MANE Select); coding-DNA position 1671, C replaced by T.
Protein change: p.Thr557=; no amino-acid change (threonine 557 retained).
Molecular consequence: synonymous variant.
Genome position (GRCh38, 1-based): chr9:127,818,135, G>A on the plus strand (C>T on the coding strand, the complement: ENG is on the minus strand). VCF-style: chr9-127818135-G-A. GRCh37 (hg19) VCF-style: chr9-130580414-G-A.
Other names: c.1671C>T, p.Thr557= (NM_000118.4); c.1125C>T, p.Thr375= (NM_001278138.2); c.1671C>T (NM_001114753.1).
Identifiers: ClinVar variation 528076 (VCV000528076.15), dbSNP rs369135742, ClinGen allele CA5252707.
Genomic context (GRCh38, chr9:127,818,135, plus strand): 5'-TGGAAGCTCCCACTTGAAGCTGGGGCCGGCCCAGGCCCCACTCACCTGGTCTTGAGACCC[G>A]GTCTTGGGACGCAGGGCTACCGTGCAGCTGAGGGTGCCGGTTTTGGGTATGGGTACTGTG-3'
Protein context (NP_001108225.1, residues 547-567): LSCTVALRPK[Thr557=]GSQDQEVHRT

ClinVar aggregate classification (germline): Likely benign. Review status: criteria provided, multiple submitters, no conflicts (2 of 4 stars). 4 submissions from 4 submitters: Likely benign (3). 1 of the submissions does not count toward it. Last evaluated 2024-07-23.

Conditions:
Hereditary hemorrhagic telangiectasia (HHT). Also called: Osler hemorrhagic telangiectasia syndrome; ORW DISEASE; Osler Weber Rendu syndrome; OSLER-RENDU-WEBER DISEASE. Identifiers: Orphanet 774, MedGen C0039445, MONDO:0019180. Disease mechanism: loss of function.
ENG-related disorder. Also called: ENG-related condition; ENG-related disorders.
Cardiovascular phenotype. Identifiers: MedGen CN230736.

Allele frequency attached by ClinVar (database versions not stated): ExAC 0.00002; ESP Exome Variant Server 0.00008; gnomAD 0.00003; gnomAD exomes 0.00002; TOPMed 0.00003.

Submissions (4):

Blueprint Genetics
Classification: Likely benign. Last evaluated: 2024-07-23. Review status: criteria provided, single submitter. Criteria: ACMG Guidelines, 2015. Collection method: clinical testing. Allele origin: germline.

Labcorp Genetics (formerly Invitae), Labcorp
Classification: Likely benign for Hereditary hemorrhagic telangiectasia. Last evaluated: 2024-06-04. Review status: criteria provided, single submitter. Criteria: Invitae Variant Classification Sherloc (09022015). Collection method: clinical testing. Allele origin: germline.

Ambry Genetics
Classification: Likely benign for Cardiovascular phenotype. Last evaluated: 2023-06-01. Review status: criteria provided, single submitter. Criteria: Ambry Variant Classification Scheme 2023. Collection method: clinical testing. Allele origin: germline.

PreventionGenetics, part of Exact Sciences
Classification: Likely benign for ENG-related condition. Last evaluated: 2022-12-09. Review status: no assertion criteria provided. Collection method: clinical testing. Allele origin: germline. Not counted in ClinVar's aggregate classification.
Comment: This variant is classified as likely benign based on ACMG/AMP sequence variant interpretation guidelines (Richards et al. 2015 PMID: 25741868, with internal and published modifications).